The following is an entry in ClinVar:

ClinVar aggregate classification (germline): Uncertain significance (1 of 4 stars; one submission).

Conditions:
Neuronal ceroid lipofuscinosis. Also called: Neuronal Ceroid Lipofuscinoses. Identifiers: Orphanet 216, Orphanet 79263, MedGen C0027877, MONDO:0016295. Disease mechanism: loss of function.

Submission:

Labcorp Genetics (formerly Invitae), Labcorp
Classification: Uncertain significance for Neuronal ceroid lipofuscinosis. Last evaluated: 2022-05-29. Review status: criteria provided, single submitter. Criteria: Invitae Variant Classification Sherloc (09022015). Collection method: clinical testing. Allele origin: germline.
Comment: This variant, c.519_521del, results in the deletion of 1 amino acid(s) of the CLN6 protein (p.Asp173del), but otherwise preserves the integrity of the reading frame. This variant is not present in population databases (gnomAD no frequency). This variant has not been reported in the literature in individuals affected with CLN6-related conditions. Experimental studies and prediction algorithms are not available or were not evaluated, and the functional significance of this variant is currently unknown. In summary, the available evidence is currently insufficient to determine the role of this variant in disease. Therefore, it has been classified as a Variant of Uncertain Significance.

NM_017882.3(CLN6):c.516TGA[1] (p.Asp173del)

Gene: CLN6 (CLN6 transmembrane ER protein; minus strand). Cytogenetic location: 15q23.
Variant type: Microsatellite.
Coding change: c.516TGA[1] on transcript NM_017882.3 (MANE Select); one copy of the 3-base unit TGA starting at c.516; the reference has two copies in a row; one copy, 3 bases deleted.
Protein change: p.Asp173del; deletes aspartic acid 173.
Molecular consequence: inframe deletion.
Genome position (GRCh38, 1-based): chr15:68,211,284-68,211,286, TCA deleted on the plus strand (TGA on the coding strand, the reverse complement: CLN6 is on the minus strand); deleting any 3 consecutive bases within chr15:68,211,284-68,211,290 gives the same sequence; the position shown is the placement nearest the transcript's 3' end. VCF-style (leftmost placement, unchanged base first): chr15-68211283-CTCA-C. GRCh37 (hg19) VCF-style: chr15-68503621-CTCA-C.
Other names: short protein forms D173del.
Identifiers: ClinVar variation 1408597 (VCV001408597.5), dbSNP rs916824303, ClinGen allele CA272384358.
Genomic context (GRCh38, chr15:68,211,283, plus strand): 5'-GTTGGGGCCCCTGGGATAGACAGATGGGCCCATCACTCACCACATGCAGTGACCCAGGTA[CTCA>C]TCATAATAGTAGAGCAGCTCAAAGGAGTCGATCTGAGGGAGGAACGGGCAGGGCAGAGTC-3'